The following is an entry in ClinVar:

ClinVar aggregate classification (germline): Uncertain significance. Review status: criteria provided, multiple submitters, no conflicts (2 of 4 stars). 3 submissions from 3 submitters: Uncertain significance (3). Last evaluated 2025-04-11.

Conditions:
Noonan syndrome and Noonan-related syndrome. Identifiers: Orphanet 98733, MedGen C5681679, MONDO:0020297.
Cardiovascular phenotype. Identifiers: MedGen CN230736.

Allele frequency attached by ClinVar (database versions not stated): gnomAD 0.00003; TOPMed 0.00004; gnomAD exomes 0.00001.
gnomAD v4.1: 110 of 1,579,638 alleles (0.007%); highest among the groups gnomAD compares: Non-Finnish European, 0.0093%; no homozygotes.

Submissions (3):

Women's Health and Genetics/Laboratory Corporation of America, LabCorp
Classification: Uncertain significance. Last evaluated: 2025-04-11. Review status: criteria provided, single submitter. Criteria: LabCorp Variant Classification Summary - May 2015. Collection method: clinical testing. Allele origin: germline.
Comment: Variant summary: SPRED1 c.-2A>T is located in the untranslated mRNA region upstream of the initiation codon. The variant allele was found at a frequency of 1e-05 in 198896 control chromosomes. The available data on variant occurrences in the general population are insufficient to allow any conclusion about variant significance. To our knowledge, no occurrence of c.-2A>T in individuals affected with Neurofibromatosis Type 1-Like Syndrome (Legius Syndrome) and no experimental evidence demonstrating its impact on protein function have been reported. ClinVar contains an entry for this variant (Variation ID: 1334303). Based on the evidence outlined above, the variant was classified as uncertain significance.

Ambry Genetics
Classification: Uncertain significance for Cardiovascular phenotype. Last evaluated: 2021-05-05. Review status: criteria provided, single submitter. Criteria: Ambry Variant Classification Scheme 2023. Collection method: clinical testing. Allele origin: germline.
Comment: The c.-2A>T variant is located in the 5' untranslated region (5&rsquo; UTR) of the SPRED1 gene. This variant results from an A to T substitution 2 nucleotides upstream from the first translated codon. Based on nucleotide sequence alignment, this position is highly conserved in available vertebrate species. Since supporting evidence is limited at this time, the clinical significance of this alteration remains unclear.

Genome Diagnostics Laboratory, The Hospital for Sick Children
Classification: Uncertain significance for Noonan syndrome and Noonan-related syndrome. Last evaluated: 2019-09-01. Review status: criteria provided, single submitter. Criteria: ACMG Guidelines, 2015. Collection method: clinical testing. Allele origin: germline.

NM_152594.3(SPRED1):c.-2A>T

Gene: SPRED1 (sprouty related EVH1 domain containing 1; plus strand). Cytogenetic location: 15q14.
Variant type: single nucleotide variant.
Coding change: c.-2A>T on transcript NM_152594.3 (MANE Select); 2 bases upstream of the start codon, A replaced by T.
Molecular consequence: 5 prime UTR variant.
Genome position (GRCh38, 1-based): chr15:38,253,184, A>T. VCF-style: chr15-38253184-A-T. GRCh37 (hg19) VCF-style: chr15-38545385-A-T.
Identifiers: ClinVar variation 1334303 (VCV001334303.7), dbSNP rs773950720, ClinGen allele CA269282657.
Genomic context (GRCh38, chr15:38,253,184, plus strand): 5'-GCTGTTGCTCCCCCGCCTGCTGTTGCTCCTCCATCTCCAGATCGGATCACGGTGAGGGAA[A>T]GATGAGCGAGGAGACGGCGACTTCTGACAACGAGTAAGCGCCTCATTGATCTCGATTGCT-3'